The following is an entry in ClinVar:

NC_000022.10:g.(?_32210968)_(32211208_?)dup

Gene: DEPDC5 (DEP domain containing 5, GATOR1 subcomplex subunit; plus strand). Cytogenetic location: 22q12.3.
Variant type: Duplication.
Identifiers: ClinVar variation 1067646 (VCV001067646.5).

ClinVar aggregate classification (germline): Likely pathogenic (1 of 4 stars; one submission).

Conditions:
Familial focal epilepsy with variable foci (FPEVF). Identifiers: Orphanet 98820, MedGen C1858477, MONDO:0020310.

Submission:

Labcorp Genetics (formerly Invitae), Labcorp
Classification: Likely pathogenic for Familial focal epilepsy with variable foci. Last evaluated: 2020-08-02. Review status: criteria provided, single submitter. Criteria: Invitae Variant Classification Sherloc (09022015). Collection method: clinical testing. Allele origin: germline.
Comment: In summary, the currently available evidence indicates that the variant is pathogenic, but additional data are needed to prove that conclusively. Therefore, this variant has been classified as Likely Pathogenic. Loss-of-function variants in DEPDC5 are known to be pathogenic (PMID: 23542697, 23542701). This variant has not been reported in the literature in individuals with DEPDC5-related conditions. This variant results in a copy number gain of the genomic region encompassing exon 21 of the DEPDC5 gene. While the exact position of this variant cannot be determined from the data, sub-genic copy number gains are generally in tandem (PMID: 25640679). This variant is predicted to be out-of-frame, and may result in an absent or disrupted protein product.

Literature cited by the submitters: PubMed 23542697; PubMed 23542701; PubMed 25640679.